The following is an entry in ClinVar:

NM_007294.4(BRCA1):c.3324A>G (p.Ile1108Met)

Genes: BRCA1 (BRCA1 DNA repair associated; minus strand), LOC126862571 (BRD4-independent group 4 enhancer GRCh37_chr17:41243136-41244335; plus strand). Cytogenetic location: 17q21.31.
Variant type: single nucleotide variant.
Coding change: c.3324A>G on transcript NM_007294.4 (MANE Select); coding-DNA position 3324, A replaced by G.
Protein change: p.Ile1108Met; replaces isoleucine 1108 with methionine.
Molecular consequence: missense variant. On other transcripts: intron variant (137).
Genome position (GRCh38, 1-based): chr17:43,092,207, T>C on the plus strand (A>G on the coding strand, the complement: BRCA1 is on the minus strand). VCF-style: chr17-43092207-T-C. GRCh37 (hg19) VCF-style: chr17-41244224-T-C.
Other names: c.3180A>G, p.Ile1060Met (NM_001407740.1, NM_001407741.1, NM_001407742.1 and 20 more transcripts); c.3183A>G, p.Ile1061Met (NM_001407750.1, NM_001407692.1, NM_001407694.1 and 29 more transcripts); c.3201A>G, p.Ile1067Met (NM_001407676.1, NM_001407677.1, NM_001407678.1 and 19 more transcripts); c.3324A>G, p.Ile1108Met (NM_001407684.1, NM_001407854.1, NM_001407858.1 and 30 more transcripts); c.3198A>G, p.Ile1066Met (NM_001407685.1, NM_001407686.1, NM_001407687.1 and 11 more transcripts); c.3111A>G, p.Ile1037Met (NM_001407853.1, NM_001407894.1, NM_001407895.1 and 9 more transcripts); c.3321A>G, p.Ile1107Met (NM_001407860.1, NM_001407861.1, NM_001407587.1 and 22 more transcripts); c.3123A>G, p.Ile1041Met (NM_001407862.1); and 41 more; short protein forms I1038M, I1040M, I1066M, I1081M, I940M, I1020M, I1041M, I1060M.
Identifiers: ClinVar variation 1730229 (VCV001730229.7), dbSNP rs2154328905, ClinGen allele CA10595335.

ClinVar aggregate classification (germline): Conflicting classifications of pathogenicity. Review status: criteria provided, conflicting classifications (1 of 4 stars). 3 submissions from 3 submitters: Uncertain significance (2); Likely benign (1). Last evaluated 2025-07-22.

Conditions:
Hereditary cancer-predisposing syndrome. Also called: Neoplastic Syndromes, Hereditary; Tumor predisposition; Hereditary Cancer Syndrome; Hereditary neoplastic syndrome. Identifiers: Orphanet 140162, MedGen C0027672, MeSH D009386, MONDO:0015356.
Hereditary breast ovarian cancer syndrome. Also called: Hereditary breast and ovarian cancer syndrome; Hereditary breast and ovarian cancer; Breast and ovarian cancer; Hereditary breast and ovarian cancer syndrome (HBOC); Hereditary breast and/or ovarian cancer syndrome; BRCA1- and BRCA2-Associated Hereditary Breast and Ovarian Cancer. Identifiers: Orphanet 145, MedGen C0677776, MeSH D061325, MONDO:0003582. Disease mechanism: loss of function.

Allele frequency attached by ClinVar (database versions not stated): gnomAD exomes below 0.00001.
gnomAD v4.1: 1 of 1,613,410 alleles (0.000062%); highest among the groups gnomAD compares: Non-Finnish European, 0.000085%; no homozygotes.

Submissions (3):

Labcorp Genetics (formerly Invitae), Labcorp
Classification: Uncertain significance for Hereditary breast ovarian cancer syndrome. Last evaluated: 2025-07-22. Review status: criteria provided, single submitter. Criteria: Invitae Variant Classification Sherloc (09022015). Collection method: clinical testing. Allele origin: germline.
Comment: This sequence change replaces isoleucine, which is neutral and non-polar, with methionine, which is neutral and non-polar, at codon 1108 of the BRCA1 protein (p.Ile1108Met). This variant is not present in population databases (gnomAD no frequency). This variant has not been reported in the literature in individuals affected with BRCA1-related conditions. ClinVar contains an entry for this variant (Variation ID: 1730229). Invitae Evidence Modeling of protein sequence and biophysical properties (such as structural, functional, and spatial information, amino acid conservation, physicochemical variation, residue mobility, and thermodynamic stability) indicates that this missense variant is not expected to disrupt BRCA1 protein function with a negative predictive value of 80%. In summary, the available evidence is currently insufficient to determine the role of this variant in disease. Therefore, it has been classified as a Variant of Uncertain Significance.

University of Washington Department of Laboratory Medicine, University of Washington
Classification: Likely benign for Hereditary cancer-predisposing syndrome. Last evaluated: 2023-03-23. Review status: criteria provided, single submitter. Criteria: Dines et al. (Genet Med. 2020). Collection method: curation. Allele origin: germline.
Comment: Missense variant in a coldspot region where missense variants are very unlikely to be pathogenic (PMID:31911673).

BRCA1 coldspot (exon 11 using historical exon numbering). Reclassification based on statistical prior probability

Ambry Genetics
Classification: Uncertain significance for Hereditary cancer-predisposing syndrome. Last evaluated: 2021-05-10. Review status: criteria provided, single submitter. Criteria: Ambry Variant Classification Scheme 2023. Collection method: clinical testing. Allele origin: germline.
Comment: The p.I1108M variant (also known as c.3324A>G), located in coding exon 9 of the BRCA1 gene, results from an A to G substitution at nucleotide position 3324. The isoleucine at codon 1108 is replaced by methionine, an amino acid with highly similar properties. This amino acid position is poorly conserved in available vertebrate species. In addition, this alteration is predicted to be tolerated by in silico analysis. Since supporting evidence is limited at this time, the clinical significance of this alteration remains unclear.